The following is an entry in ClinVar:

NM_022773.4(LMF1):c.199G>A (p.Ala67Thr)

Gene: LMF1 (lipase maturation factor 1; minus strand). Cytogenetic location: 16p13.3.
Variant type: single nucleotide variant.
Coding change: c.199G>A on transcript NM_022773.4 (MANE Select); coding-DNA position 199, G replaced by A.
Protein change: p.Ala67Thr; replaces alanine 67 with threonine.
Molecular consequence: missense variant. On other transcripts: 5 prime UTR variant (4), non-coding transcript variant (1).
Genome position (GRCh38, 1-based): chr16:954,661, C>T on the plus strand (G>A on the coding strand, the complement: LMF1 is on the minus strand). VCF-style: chr16-954661-C-T. GRCh37 (hg19) VCF-style: chr16-1004661-C-T.
Other names: c.-605G>A (NM_001352017.2); c.-356G>A (NM_001352018.2); c.-129G>A (NM_001352019.2); c.199G>A, p.Ala67Thr (NM_001352020.1); c.-507G>A (NM_001352021.2); short protein forms A67T.
Identifiers: ClinVar variation 2451795 (VCV002451795.2), dbSNP rs779735217, ClinGen allele CA394106680.
Genomic context (GRCh38, chr16:954,661, plus strand): 5'-AGGGAAGCAGCCCCCTGTCACCGATGAGCTGCTTGTTCTGATGGAAAGCCACCAGGAATG[C>T]CACGACTGGAAGAAAAAGAAGACAAAACAAGCATGACTAGGAACAAACCACATGTGGACA-3'
Protein context (NP_073610.2, residues 57-77): LKALAFVYFV[Ala67Thr]FLVAFHQNKQ

ClinVar aggregate classification (germline): Uncertain significance (1 of 4 stars; one submission).

Conditions:
Cardiovascular phenotype. Identifiers: MedGen CN230736.

Submission:

Ambry Genetics
Classification: Uncertain significance for Cardiovascular phenotype. Last evaluated: 2022-12-09. Review status: criteria provided, single submitter. Criteria: Ambry Variant Classification Scheme 2023. Collection method: clinical testing. Allele origin: germline.
Comment: The p.A67T variant (also known as c.199G>A), located in coding exon 2 of the LMF1 gene, results from a G to A substitution at nucleotide position 199. The alanine at codon 67 is replaced by threonine, an amino acid with similar properties. This amino acid position is conserved. In addition, this alteration is predicted to be deleterious by in silico analysis. Since supporting evidence is limited at this time, the clinical significance of this alteration remains unclear.